The following is an entry in ClinVar:

ClinVar aggregate classification (germline): Likely benign (1 of 4 stars; one submission).

Allele frequency attached by ClinVar (database versions not stated): ExAC 0.00001; gnomAD 0.00003; TOPMed 0.00003.

Submission:

CeGaT Center for Human Genetics Tuebingen
Classification: Likely benign. Last evaluated: 2023-11-01. Review status: criteria provided, single submitter. Criteria: CeGaT Center For Human Genetics Tuebingen Variant Classification Criteria Version 2. Collection method: clinical testing. Allele origin: germline. Affected: yes. Observed: 1 variant allele.
Comment: CHD1: BP4, BP7

NM_001270.4(CHD1):c.3930C>A (p.Ile1310=)

Gene: CHD1 (chromodomain helicase DNA binding protein 1; minus strand). Cytogenetic location: 5q15.
Variant type: single nucleotide variant.
Coding change: c.3930C>A on transcript NM_001270.4 (MANE Select); coding-DNA position 3930, C replaced by A.
Protein change: p.Ile1310=; no amino-acid change (isoleucine 1310 retained).
Molecular consequence: synonymous variant. On other transcripts: non-coding transcript variant (2).
Genome position (GRCh38, 1-based): chr5:98,870,735, G>T on the plus strand (C>A on the coding strand, the complement: CHD1 is on the minus strand). VCF-style: chr5-98870735-G-T. GRCh37 (hg19) VCF-style: chr5-98206439-G-T.
Other names: c.3930C>A, p.Ile1310= (NM_001364113.3, NM_001376194.2).
Identifiers: ClinVar variation 2673019 (VCV002673019.23), dbSNP rs759376984, ClinGen allele CA3355828.